The following is an entry in ClinVar:

ClinVar aggregate classification (germline): Uncertain significance (1 of 4 stars; one submission).

Conditions:
Neurofibromatosis, type 1 (NF1). Also called: Peripheral type neurofibromatosis; VON RECKLINGHAUSEN DISEASE; Neurofibromatosis, type I; NEUROFIBROMATOSIS, TYPE I, SOMATIC. Identifiers: Orphanet 636, MedGen C0027831, MONDO:0018975, OMIM 162200. Disease mechanism: loss of function.

Submission:

Labcorp Genetics (formerly Invitae), Labcorp
Classification: Uncertain significance for Neurofibromatosis, type 1. Last evaluated: 2024-10-24. Review status: criteria provided, single submitter. Criteria: Invitae Variant Classification Sherloc (09022015). Collection method: clinical testing. Allele origin: germline.
Comment: This sequence change falls in intron 34 of the NF1 gene. It does not directly change the encoded amino acid sequence of the NF1 protein. It affects a nucleotide within the consensus splice site. This variant is not present in population databases (gnomAD no frequency). This variant has been observed in individual(s) with neurofibromatosis type 1 (internal data). Variants that disrupt the consensus splice site are a relatively common cause of aberrant splicing (PMID: 17576681, 9536098). Algorithms developed to predict the effect of sequence changes on RNA splicing suggest that this variant may disrupt the consensus splice site. In summary, the available evidence is currently insufficient to determine the role of this variant in disease. Therefore, it has been classified as a Variant of Uncertain Significance.

Literature cited by the submitters: PubMed 17576681; PubMed 9536098.

NM_001042492.3(NF1):c.4724+3A>C

Gene: NF1 (neurofibromin 1; plus strand). Cytogenetic location: 17q11.2.
Variant type: single nucleotide variant.
Coding change: c.4724+3A>C on transcript NM_001042492.3 (MANE Select); 3 bases into the intron after coding-DNA position 4724, A replaced by C.
Molecular consequence: intron variant.
Genome position (GRCh38, 1-based): chr17:31,261,860, A>C. VCF-style: chr17-31261860-A-C. GRCh37 (hg19) VCF-style: chr17-29588878-A-C.
Other names: c.4661+3A>C (NM_000267.4).
Identifiers: ClinVar variation 2696970 (VCV002696970.3), dbSNP rs781147524, ClinGen allele CA2697559752.
Genomic context (GRCh38, chr17:31,261,860, plus strand): 5'-ATACACACTGGTCCAGCCTTAACCTTACCAGTTCAAAGTTTGAGGAATTTATGACTAGGT[A>C]AAGTACAACCTTGAAATAGTTGATTGCTTTCTTTTTGGTTGAGAAGGAGAGTTTGCCACC-3'